The following is an entry in ClinVar:

ClinVar aggregate classification (germline): Uncertain significance. Review status: criteria provided, multiple submitters, no conflicts (2 of 4 stars). 2 submissions from 2 submitters: Uncertain significance (2). Last evaluated 2025-12-01.

Allele frequency attached by ClinVar (database versions not stated): gnomAD exomes 0.00001.
gnomAD v4.1: 8 of 1,614,208 alleles (0.0005%); highest among the groups gnomAD compares: South Asian, 0.0044%; no homozygotes.

Submissions (2):

CeGaT Center for Human Genetics Tuebingen
Classification: Uncertain significance. Last evaluated: 2025-12-01. Review status: criteria provided, single submitter. Criteria: CeGaT Center For Human Genetics Tuebingen Variant Classification Criteria Version 2. Collection method: clinical testing. Allele origin: germline. Affected: yes. Observed: 1 variant allele.
Comment: DEAF1: PM1, PP3

Labcorp Genetics (formerly Invitae), Labcorp
Classification: Uncertain significance. Last evaluated: 2024-05-23. Review status: criteria provided, single submitter. Criteria: Invitae Variant Classification Sherloc (09022015). Collection method: clinical testing. Allele origin: germline.
Comment: This sequence change replaces arginine, which is basic and polar, with histidine, which is basic and polar, at codon 257 of the DEAF1 protein (p.Arg257His). This variant is present in population databases (no rsID available, gnomAD 0.0009%). This variant has not been reported in the literature in individuals affected with DEAF1-related conditions. ClinVar contains an entry for this variant (Variation ID: 1901694). Advanced modeling of protein sequence and biophysical properties (such as structural, functional, and spatial information, amino acid conservation, physicochemical variation, residue mobility, and thermodynamic stability) performed at Invitae indicates that this missense variant is expected to disrupt DEAF1 protein function with a positive predictive value of 95%. In summary, the available evidence is currently insufficient to determine the role of this variant in disease. Therefore, it has been classified as a Variant of Uncertain Significance.

NM_021008.4(DEAF1):c.770G>A (p.Arg257His)

Gene: DEAF1 (DEAF1 transcription factor; minus strand). Cytogenetic location: 11p15.5.
Variant type: single nucleotide variant.
Coding change: c.770G>A on transcript NM_021008.4 (MANE Select); coding-DNA position 770, G replaced by A.
Protein change: p.Arg257His; replaces arginine 257 with histidine.
Molecular consequence: missense variant. On other transcripts: intron variant (1).
Genome position (GRCh38, 1-based): chr11:686,892, C>T on the plus strand (G>A on the coding strand, the complement: DEAF1 is on the minus strand). VCF-style: chr11-686892-C-T. GRCh37 (hg19) VCF-style: chr11-686892-C-T.
Other names: c.44G>A, p.Arg15His (NM_001367390.1, NM_001440885.1, NM_001440886.1 and 1 more transcripts); c.770G>A, p.Arg257His (NM_001440883.1, NM_001440884.1); c.664+1019G>A (NM_001293634.2); short protein forms R15H, R257H.
Identifiers: ClinVar variation 1901694 (VCV001901694.10), dbSNP rs1373112573, ClinGen allele CA378931986.